The following is an entry in ClinVar:

ClinVar aggregate classification (germline): Uncertain significance. Review status: criteria provided, multiple submitters, no conflicts (2 of 4 stars). 3 submissions from 3 submitters: Uncertain significance (3). Last evaluated 2025-12-29.

Conditions:
Senior-Loken syndrome 7 (SLSN7). Identifiers: Orphanet 3156, MedGen C3150877, MONDO:0013326, OMIM 613615.
Bardet-Biedl syndrome 16 (BBS16). Identifiers: Orphanet 110, MedGen C3889474, MONDO:0014444, OMIM 615993.
SDCCAG8-related disorder. Also called: SDCCAG8-Related Disorders; SDCCAG8-related condition.
Inborn genetic diseases. Identifiers: MedGen C0950123, MeSH D030342.

Allele frequency attached by ClinVar (database versions not stated): TOPMed below 0.00001; gnomAD exomes 0.00001; ExAC 0.00002.
gnomAD v4.1: 22 of 1,614,092 alleles (0.0014%); highest among the groups gnomAD compares: Non-Finnish European, 0.0018%; no homozygotes.

Submissions (3):

PreventionGenetics, part of Exact Sciences
Classification: Uncertain significance for SDCCAG8-related condition. Last evaluated: 2025-12-29. Review status: criteria provided, single submitter. Criteria: ACMG Guidelines, 2015. Collection method: clinical testing. Allele origin: germline.
Comment: The SDCCAG8 c.1507A>G variant is predicted to result in the amino acid substitution p.Ser503Gly. To our knowledge, this variant has not been reported in the literature. This variant is reported in 0.0018% of alleles in individuals of European (Non-Finnish) descent in gnomAD. At this time, the clinical significance of this variant is uncertain due to the absence of conclusive functional and genetic evidence.

Ambry Genetics
Classification: Uncertain significance for Inborn genetic diseases. Last evaluated: 2025-07-01. Review status: criteria provided, single submitter. Criteria: Ambry Variant Classification Scheme 2023. Collection method: clinical testing. Allele origin: germline.

Fulgent Genetics
Classification: Uncertain significance for Senior-Loken syndrome 7; Bardet-Biedl syndrome 16. Last evaluated: 2024-04-22. Review status: criteria provided, single submitter. Criteria: ACMG Guidelines, 2015. Collection method: clinical testing. Allele origin: germline.

NM_006642.5(SDCCAG8):c.1507A>G (p.Ser503Gly)

Gene: SDCCAG8 (SHH signaling and ciliogenesis regulator SDCCAG8; plus strand). Cytogenetic location: 1q43.
Variant type: single nucleotide variant.
Coding change: c.1507A>G on transcript NM_006642.5 (MANE Select); coding-DNA position 1507, A replaced by G.
Protein change: p.Ser503Gly; replaces serine 503 with glycine.
Molecular consequence: missense variant.
Genome position (GRCh38, 1-based): chr1:243,378,754, A>G. VCF-style: chr1-243378754-A-G. GRCh37 (hg19) VCF-style: chr1-243542056-A-G.
Other names: c.604A>G, p.Ser202Gly (NM_001350246.2, NM_001350247.2, NM_001350251.2); c.1603A>G, p.Ser535Gly (NM_001350248.2); c.1213A>G, p.Ser405Gly (NM_001350249.2); short protein forms S535G, S405G, S503G, S202G.
Identifiers: ClinVar variation 2382182 (VCV002382182.5), dbSNP rs778441055, ClinGen allele CA1483669.